The following is an entry in ClinVar:

NM_001371986.1(UNC80):c.3724CAC[3] (p.His1243dup)

Genes: UNC80 (unc-80 homolog, NALCN channel complex subunit; plus strand), LOC121725110 (Sharpr-MPRA regulatory region 8902; plus strand). Cytogenetic location: 2q34.
Variant type: Microsatellite.
Coding change: c.3724CAC[3] on transcript NM_001371986.1 (MANE Select); three copies in a row of the 3-base unit CAC starting at c.3724; the reference has two copies in a row; one copy, 3 bases duplicated.
Protein change: p.His1243dup; duplicates histidine 1243.
Molecular consequence: inframe insertion.
Genome position (GRCh38, 1-based): chr2:209,872,857-209,872,859, CAC duplicated; duplicating any 3 consecutive bases within chr2:209,872,854-209,872,859 gives the same sequence; the position shown is the placement nearest the transcript's 3' end. VCF-style (leftmost placement, unchanged base first): chr2-209872853-G-GCAC. GRCh37 (hg19) VCF-style: chr2-210737577-G-GCAC.
Other names: c.3730CAC[3], p.His1245dup (NM_032504.2); c.3715CAC[3], p.His1240dup (NM_182587.4).
Identifiers: ClinVar variation 1494065 (VCV001494065.5), dbSNP rs748355070, ClinGen allele CA2083148.

ClinVar aggregate classification (germline): Uncertain significance (1 of 4 stars; one submission).

Submission:

Labcorp Genetics (formerly Invitae), Labcorp
Classification: Uncertain significance. Last evaluated: 2022-09-07. Review status: criteria provided, single submitter. Criteria: Invitae Variant Classification Sherloc (09022015). Collection method: clinical testing. Allele origin: germline.
Comment: This variant, c.3733_3735dup, results in the insertion of 1 amino acid(s) of the UNC80 protein (p.His1245dup), but otherwise preserves the integrity of the reading frame. This variant is present in population databases (rs748355070, gnomAD 0.04%). This variant has not been reported in the literature in individuals affected with UNC80-related conditions. Experimental studies and prediction algorithms are not available or were not evaluated, and the functional significance of this variant is currently unknown. In summary, the available evidence is currently insufficient to determine the role of this variant in disease. Therefore, it has been classified as a Variant of Uncertain Significance.